The following is an entry in ClinVar:

NM_015065.3(EXPH5):c.456T>C (p.His152=)

Gene: EXPH5 (exophilin 5; minus strand). Cytogenetic location: 11q22.3.
Variant type: single nucleotide variant.
Coding change: c.456T>C on transcript NM_015065.3 (MANE Select); coding-DNA position 456, T replaced by C.
Protein change: p.His152=; no amino-acid change (histidine 152 retained).
Molecular consequence: synonymous variant. On other transcripts: 5 prime UTR variant (1), intron variant (1).
Genome position (GRCh38, 1-based): chr11:108,528,172, A>G on the plus strand (T>C on the coding strand, the complement: EXPH5 is on the minus strand). VCF-style: chr11-108528172-A-G. GRCh37 (hg19) VCF-style: chr11-108398899-A-G.
Other names: c.228T>C, p.His76= (NM_001144763.2); c.-13T>C (NM_001144764.2); c.435T>C, p.His145= (NM_001308019.2); c.-73+9791T>C (NM_001144765.2).
Identifiers: ClinVar variation 790109 (VCV000790109.11), dbSNP rs116202177, ClinGen allele CA6268244.

ClinVar aggregate classification (germline): Benign. Review status: criteria provided, multiple submitters, no conflicts (2 of 4 stars). 3 submissions from 3 submitters: Benign (2). 1 of the submissions does not count toward it. Last evaluated 2026-01-17.

Conditions:
EXPH5-related disorder. Also called: EXPH5-related condition.

Allele frequency attached by ClinVar (database versions not stated): gnomAD exomes 0.00165; ExAC 0.00209; gnomAD 0.00678 and 0.00723; 1000 Genomes Project 0.00739; TOPMed 0.00757; ESP Exome Variant Server 0.00777; 1000 Genomes Project 30x 0.00828.
gnomAD v4.1: 1,975 of 1,610,526 alleles (0.12%); highest among the groups gnomAD compares: African/African-American, 2.3%; 22 homozygotes.

Submissions (3):

Labcorp Genetics (formerly Invitae), Labcorp
Classification: Benign. Last evaluated: 2026-01-17. Review status: criteria provided, single submitter. Criteria: Invitae Variant Classification Sherloc (09022015). Collection method: clinical testing. Allele origin: germline.

Breakthrough Genomics
Classification: Benign. Review status: criteria provided, single submitter. Criteria: ACMG Guidelines, 2015. Collection method: not provided. Allele origin: germline. Inheritance: Autosomal recessive inheritance. Affected: yes.

PreventionGenetics, part of Exact Sciences
Classification: Likely benign for EXPH5-related condition. Last evaluated: 2024-07-23. Review status: no assertion criteria provided. Collection method: clinical testing. Allele origin: germline. Not counted in ClinVar's aggregate classification.
Comment: This variant is classified as likely benign based on ACMG/AMP sequence variant interpretation guidelines (Richards et al. 2015 PMID: 25741868, with internal and published modifications).